The following is an entry in ClinVar:

NM_004612.4(TGFBR1):c.133A>G (p.Asn45Asp)

Gene: TGFBR1 (transforming growth factor beta receptor 1; plus strand). Cytogenetic location: 9q22.33.
Variant type: single nucleotide variant.
Coding change: c.133A>G on transcript NM_004612.4 (MANE Select); coding-DNA position 133, A replaced by G.
Protein change: p.Asn45Asp; replaces asparagine 45 with aspartic acid.
Molecular consequence: missense variant. On other transcripts: 5 prime UTR variant (15), non-coding transcript variant (4), intron variant (3).
Genome position (GRCh38, 1-based): chr9:99,128,890, A>G. VCF-style: chr9-99128890-A-G. GRCh37 (hg19) VCF-style: chr9-101891172-A-G.
Other names: c.133A>G, p.Asn45Asp (NM_001130916.3, NM_001306210.2, NM_001407416.1 and 2 more transcripts); c.-75A>G (NM_001407418.1, NM_001407419.1, NM_001407420.1 and 12 more transcripts); c.98-3619A>G (NM_001407436.1); c.98-8969A>G (NM_001407438.1); c.98-13646A>G (NM_001407437.1); short protein forms N45D.
Identifiers: ClinVar variation 4737517 (VCV004737517.1).

ClinVar aggregate classification (germline): Uncertain significance (1 of 4 stars; one submission).

Conditions:
Familial thoracic aortic aneurysm and aortic dissection (TAAD). Also called: Thoracic aortic aneurysms and dissections. Identifiers: Orphanet 91387, MedGen C4707243, MONDO:0019625.

Submission:

Labcorp Genetics (formerly Invitae), Labcorp
Classification: Uncertain significance for Familial thoracic aortic aneurysm and aortic dissection. Last evaluated: 2025-10-02. Review status: criteria provided, single submitter. Criteria: Invitae Variant Classification Sherloc (09022015). Collection method: clinical testing. Allele origin: germline.
Comment: This sequence change replaces asparagine, which is neutral and polar, with aspartic acid, which is acidic and polar, at codon 45 of the TGFBR1 protein (p.Asn45Asp). This variant is not present in population databases (gnomAD no frequency). This variant has not been reported in the literature in individuals affected with TGFBR1-related conditions. An algorithm developed to predict the effect of missense changes on protein structure and function (PolyPhen-2) suggests that this variant is likely to be disruptive. In summary, the available evidence is currently insufficient to determine the role of this variant in disease. Therefore, it has been classified as a Variant of Uncertain Significance.